The following is an entry in ClinVar:

ClinVar aggregate classification (germline): Pathogenic (0 of 4 stars; one submission).

Conditions:
Thrombotic thrombocytopenic purpura. Also called: Moschowitz syndrome; Moschkowitz Disease. Identifiers: Orphanet 54057, MedGen C0034155, MONDO:0018896.

Submission:

Department of Hematology, 303rd Hospital of the People's Liberation Army
Classification: Pathogenic for Thrombotic thrombocytopenic purpura. Last evaluated: 2018-07-01. Review status: no assertion criteria provided. Collection method: clinical testing. Allele origin: paternal. Inheritance: Autosomal recessive inheritance. Affected: yes. Observed: 1 compound heterozygote.
Comment: ADAMTS13 is the 13th member of the ADAMTS family of metalloproteases (Zheng X 2001). VWF, the substrate of ADAMTS13, is mainly produced in vascular endothelial cells and released into the plasma as unusually large multimers, which readily undergo ADAMTS13 proteolysis (Moake JL 2002). Recent studies demonstrated an association between pathogenesis and severely reduced activity of a disintegrin-like and metalloprotease with thrombospondin type 1 motif 13 (ADAMTS13) (Furlan M 1998; Tsai HM, 1998). This enzyme specifically cleaves von Willebrand factor (VWF), a glycoprotein necessary for normal hemostasis. Consequently, reduced ADAMTS13 activity has been included in the diagnostic criteria for TTP (George JN 2014). Congenital TTP is attributable to ADAMTS13 gene mutations (Levy GG 2001; Kokame K,2002), whereas acquired TTP develops as a result of anti- ADAMTS13 autoantibody production (Furlan M 1998; Tsai HM 1998). Scores of the mutations for predicting the probability of a damaging mutation using Sorting Tolerant From Intolerant (SIFT) and Polymorphism Phenotyping v2 (PolyPhen-2) were high. The negative effect of the novel ADAMTS13 mutations on the activity of protease was further verified by SELDI-TOF and the activity level of ADAMTS13 was <5% (normal: 68~131%). In summary, the C737R variant meets our criteria to be classified as pathogenic.

NM_139027.6(ADAMTS13):c.2209T>C (p.Cys737Arg)

Gene: ADAMTS13 (ADAM metallopeptidase with thrombospondin type 1 motif 13; plus strand). Cytogenetic location: 9q34.2.
Variant type: single nucleotide variant.
Coding change: c.2209T>C on transcript NM_139027.6 (MANE Select); coding-DNA position 2209, T replaced by C.
Protein change: p.Cys737Arg; replaces cysteine 737 with arginine.
Molecular consequence: missense variant.
Genome position (GRCh38, 1-based): chr9:133,442,718, T>C. VCF-style: chr9-133442718-T-C. GRCh37 (hg19) VCF-style: chr9-136307839-T-C.
Other names: c.2209T>C, p.Cys737Arg (NM_139025.5); c.2116T>C, p.Cys706Arg (NM_139026.6); short protein forms C737R, C706R.
Identifiers: ClinVar variation 559588 (VCV000559588.3), dbSNP rs1554791280, ClinGen allele CA375397469.